The following is an entry in ClinVar:

NM_000038.6(APC):c.8120G>T (p.Gly2707Val)

Gene: APC (APC regulator of Wnt signaling pathway; plus strand). Cytogenetic location: 5q22.2.
Variant type: single nucleotide variant.
Coding change: c.8120G>T on transcript NM_000038.6 (MANE Select); coding-DNA position 8120, G replaced by T.
Protein change: p.Gly2707Val; replaces glycine 2707 with valine.
Molecular consequence: missense variant. On other transcripts: non-coding transcript variant (2).
Genome position (GRCh38, 1-based): chr5:112,843,714, G>T. VCF-style: chr5-112843714-G-T. GRCh37 (hg19) VCF-style: chr5-112179411-G-T.
Other names: c.8120G>T, p.Gly2707Val (NM_001127510.3, NM_001354895.2, NM_001407450.1); c.8066G>T, p.Gly2689Val (NM_001127511.3); c.8174G>T, p.Gly2725Val (NM_001354896.2, NM_001407447.1, NM_001407448.1 and 1 more transcripts); c.8150G>T, p.Gly2717Val (NM_001354897.2); c.8045G>T, p.Gly2682Val (NM_001354898.2); c.8036G>T, p.Gly2679Val (NM_001354899.2); c.7997G>T, p.Gly2666Val (NM_001354900.2); c.7943G>T, p.Gly2648Val (NM_001354901.2, NM_001407453.1); and 11 more; short protein forms G2323V, G2578V, G2606V, G2648V, G2682V, G2725V, G2697V, G2700V.
Identifiers: ClinVar variation 2484892 (VCV002484892.3), dbSNP rs1766651129, ClinGen allele CA16038971.
Genomic context (GRCh38, chr5:112,843,714, plus strand): 5'-CAGAAAAGGCAAATCCAAACATTAAAGATTCAAAAGATAATCAGGCAAAACAAAATGTGG[G>T]TAATGGCAGTGTTCCCATGCGTACCGTGGGTTTGGAAAATCGCCTGAACTCCTTTATTCA-3'
Protein context (NP_000029.2, residues 2697-2717): SKDNQAKQNV[Gly2707Val]NGSVPMRTVG

ClinVar aggregate classification (germline): Uncertain significance. Review status: criteria provided, multiple submitters, no conflicts (2 of 4 stars). 2 submissions from 2 submitters: Uncertain significance (2). Last evaluated 2025-06-09.

Conditions:
Hereditary cancer-predisposing syndrome. Also called: Neoplastic Syndromes, Hereditary; Hereditary neoplastic syndrome; Tumor predisposition; Hereditary Cancer Syndrome. Identifiers: Orphanet 140162, MedGen C0027672, MeSH D009386, MONDO:0015356.

Allele frequency attached by ClinVar (database versions not stated): gnomAD exomes below 0.00001; TOPMed below 0.00001.
gnomAD v4.1: 1 of 1,614,106 alleles (0.000062%); highest among the groups gnomAD compares: Non-Finnish European, 0.000085%; no homozygotes.

Submissions (2):

Color Diagnostics, LLC DBA Color Health
Classification: Uncertain significance for Hereditary cancer-predisposing syndrome. Last evaluated: 2025-06-09. Review status: criteria provided, single submitter. Criteria: ACMG Guidelines, 2015. Collection method: clinical testing. Allele origin: germline.
Comment: This missense variant replaces glycine with valine at codon 2707 of the APC protein. Computational prediction suggests that this variant may not impact protein structure and function. To our knowledge, functional studies have not been reported for this variant. This variant has not been reported in individuals affected with APC-related disorders in the literature. This variant has not been identified in the general population by the Genome Aggregation Database (gnomAD). The available evidence is insufficient to determine the role of this variant in disease conclusively. Therefore, this variant is classified as a Variant of Uncertain Significance.

Ambry Genetics
Classification: Uncertain significance for Hereditary cancer-predisposing syndrome. Last evaluated: 2022-11-30. Review status: criteria provided, single submitter. Criteria: Ambry Variant Classification Scheme 2023. Collection method: clinical testing. Allele origin: germline.
Comment: The p.G2707V variant (also known as c.8120G>T), located in coding exon 15 of the APC gene, results from a G to T substitution at nucleotide position 8120. The glycine at codon 2707 is replaced by valine, an amino acid with dissimilar properties. This amino acid position is conserved. In addition, in silico predictors for this gene do not accurately predict pathogenicity. Since supporting evidence is limited at this time, the clinical significance of this alteration remains unclear.